The following is an entry in ClinVar:

ClinVar aggregate classification (germline): Uncertain significance (1 of 4 stars; one submission).

Conditions:
Hereditary cancer-predisposing syndrome. Also called: Neoplastic Syndromes, Hereditary; Tumor predisposition; Hereditary neoplastic syndrome; Hereditary Cancer Syndrome. Identifiers: Orphanet 140162, MedGen C0027672, MeSH D009386, MONDO:0015356.

Submission:

Ambry Genetics
Classification: Uncertain significance for Hereditary cancer-predisposing syndrome. Last evaluated: 2026-07-07. Review status: criteria provided, single submitter. Criteria: Ambry Variant Classification Scheme 2023. Collection method: clinical testing. Allele origin: germline.
Comment: The p.G585V variant (also known as c.1754G>T), located in coding exon 6 of the AXIN2 gene, results from a G to T substitution at nucleotide position 1754. The glycine at codon 585 is replaced by valine, an amino acid with dissimilar properties. This amino acid position is conserved. In addition, this alteration is predicted to be tolerated by in silico analysis. Based on the available evidence, the clinical significance of this variant remains unclear.

NM_004655.4(AXIN2):c.1754G>T (p.Gly585Val)

Gene: AXIN2 (axin 2; minus strand). Cytogenetic location: 17q24.1.
Variant type: single nucleotide variant.
Coding change: c.1754G>T on transcript NM_004655.4 (MANE Select); coding-DNA position 1754, G replaced by T.
Protein change: p.Gly585Val; replaces glycine 585 with valine.
Molecular consequence: missense variant. On other transcripts: intron variant (1).
Genome position (GRCh38, 1-based): chr17:65,537,022, C>A on the plus strand (G>T on the coding strand, the complement: AXIN2 is on the minus strand). VCF-style: chr17-65537022-C-A. GRCh37 (hg19) VCF-style: chr17-63533140-C-A.
Other names: c.1712+302G>T (NM_001363813.1); short protein forms G585V.
Identifiers: ClinVar variation 5032611 (VCV005032611.1).